The following is an entry in ClinVar:

NM_001365951.3(KIF1B):c.3668C>T (p.Pro1223Leu)

Gene: KIF1B (kinesin family member 1B; plus strand). Cytogenetic location: 1p36.22.
Variant type: single nucleotide variant.
Coding change: c.3668C>T on transcript NM_001365951.3 (MANE Select); coding-DNA position 3668, C replaced by T.
Protein change: p.Pro1223Leu; replaces proline 1223 with leucine.
Molecular consequence: missense variant.
Genome position (GRCh38, 1-based): chr1:10,343,267, C>T. VCF-style: chr1-10343267-C-T. GRCh37 (hg19) VCF-style: chr1-10403325-C-T.
Other names: c.3668C>T, p.Pro1223Leu (NM_001365952.1); c.3530C>T, p.Pro1177Leu (NM_015074.3); short protein forms P1177L, P1223L.
Identifiers: ClinVar variation 3226465 (VCV003226465.1), dbSNP rs1285269927, ClinGen allele CA338342131.
Genomic context (GRCh38, chr1:10,343,267, plus strand): 5'-GATCTTTGTCTTCCTTTCTTTGCAGTCCGCCTCAGCCGTGCCGCCGATTCTTCCCTCCAC[C>T]CATGCCACTGTCCAAGCCAGGTGAGCACTCGCTCCGCTTTTTGCATGATGATCTCTTTGT-3'
Protein context (NP_001352880.1, residues 1213-1233): PQPCRRFFPP[Pro1223Leu]MPLSKPVPAT

ClinVar aggregate classification (germline): Uncertain significance (1 of 4 stars; one submission).

Allele frequency attached by ClinVar (database versions not stated): TOPMed below 0.00001; gnomAD 0.00003.
gnomAD v4.1: 4 of 1,614,082 alleles (0.00025%); highest among the groups gnomAD compares: African/African-American, 0.0053%; no homozygotes.

Submission:

Ambry Genetics
Classification: Uncertain significance. Last evaluated: 2024-02-02. Review status: criteria provided, single submitter. Criteria: Ambry Variant Classification Scheme 2023. Collection method: clinical testing. Allele origin: germline.
Comment: The p.P1177L variant (also known as c.3530C>T), located in coding exon 31 of the KIF1B gene, results from a C to T substitution at nucleotide position 3530. The proline at codon 1177 is replaced by leucine, an amino acid with similar properties. This amino acid position is conserved. In addition, the in silico prediction for this alteration is inconclusive. Based on the available evidence, the clinical significance of this alteration remains unclear.